The following is an entry in ClinVar:

ClinVar aggregate classification (germline): Likely benign (0 of 4 stars; one submission).

Conditions:
PLXNA4-related disorder. Also called: PLXNA4-related condition.

Allele frequency attached by ClinVar (database versions not stated): ExAC 0.00004; gnomAD 0.00010; TOPMed 0.00029; 1000 Genomes Project 0.00060; 1000 Genomes Project 30x 0.00062.
gnomAD v4.1: 35 of 1,614,158 alleles (0.0022%); highest among the groups gnomAD compares: Admixed American, 0.03%; no homozygotes.

Submission:

PreventionGenetics, part of Exact Sciences
Classification: Likely benign for PLXNA4-related condition. Last evaluated: 2022-01-31. Review status: no assertion criteria provided. Collection method: clinical testing. Allele origin: germline.
Comment: This variant is classified as likely benign based on ACMG/AMP sequence variant interpretation guidelines (Richards et al. 2015 PMID: 25741868, with internal and published modifications).

NM_020911.2(PLXNA4):c.804C>A (p.Gly268=)

Gene: PLXNA4 (plexin A4; minus strand). Cytogenetic location: 7q32.3.
Variant type: single nucleotide variant.
Coding change: c.804C>A on transcript NM_020911.2 (MANE Select); coding-DNA position 804, C replaced by A.
Protein change: p.Gly268=; no amino-acid change (glycine 268 retained).
Molecular consequence: synonymous variant.
Genome position (GRCh38, 1-based): chr7:132,507,890, G>T on the plus strand (C>A on the coding strand, the complement: PLXNA4 is on the minus strand). VCF-style: chr7-132507890-G-T. GRCh37 (hg19) VCF-style: chr7-132192649-G-T.
Other names: c.804C>A, p.Gly268= (NM_001105543.2, NM_001393897.1, NM_181775.4).
Identifiers: ClinVar variation 3043003 (VCV003043003.2), dbSNP rs189555708, ClinGen allele CA4490442.